The following is an entry in ClinVar:

ClinVar aggregate classification (germline): Benign/Likely benign. Review status: criteria provided, multiple submitters, no conflicts (2 of 4 stars). 3 submissions from 3 submitters: Benign (1); Likely benign (2). Last evaluated 2024-04-02.

Conditions:
Hereditary cancer-predisposing syndrome. Also called: Hereditary Cancer Syndrome; Hereditary neoplastic syndrome; Neoplastic Syndromes, Hereditary; Tumor predisposition. Identifiers: Orphanet 140162, MedGen C0027672, MeSH D009386, MONDO:0015356.
Familial adenomatous polyposis 1 (FAP1). Also called: FAMILIAL ADENOMATOUS POLYPOSIS 1, ATTENUATED; POLYPOSIS, ADENOMATOUS INTESTINAL. Identifiers: MedGen C2713442, MONDO:0021056, OMIM 175100. Disease mechanism: loss of function.

Submissions (3):

Myriad Genetics, Inc.
Classification: Benign for Familial adenomatous polyposis 1. Last evaluated: 2024-04-02. Review status: criteria provided, single submitter. Criteria: Myriad Autosomal Dominant, Autosomal Recessive and X-Linked Classification Criteria (2023). Collection method: clinical testing. Allele origin: unknown.
Comment: This variant is considered benign. This variant is a silent/synonymous amino acid change and it is not expected to impact splicing.

Ambry Genetics
Classification: Likely benign for Hereditary cancer-predisposing syndrome. Last evaluated: 2024-03-21. Review status: criteria provided, single submitter. Criteria: Ambry Variant Classification Scheme 2023. Collection method: clinical testing. Allele origin: germline.

Labcorp Genetics (formerly Invitae), Labcorp
Classification: Likely benign for Familial adenomatous polyposis 1. Last evaluated: 2023-08-27. Review status: criteria provided, single submitter. Criteria: Invitae Variant Classification Sherloc (09022015). Collection method: clinical testing. Allele origin: germline.

NM_000038.6(APC):c.5802C>T (p.Pro1934=)

Gene: APC (APC regulator of Wnt signaling pathway; plus strand). Cytogenetic location: 5q22.2.
Variant type: single nucleotide variant.
Coding change: c.5802C>T on transcript NM_000038.6 (MANE Select); coding-DNA position 5802, C replaced by T.
Protein change: p.Pro1934=; no amino-acid change (proline 1934 retained).
Molecular consequence: synonymous variant.
Genome position (GRCh38, 1-based): chr5:112,841,396, C>T. VCF-style: chr5-112841396-C-T. GRCh37 (hg19) VCF-style: chr5-112177093-C-T.
Other names: c.5802C>T, p.Pro1934= (NM_001127510.3, NM_001354895.2); c.5748C>T, p.Pro1916= (NM_001127511.3); c.5856C>T, p.Pro1952= (NM_001354896.2); c.5832C>T, p.Pro1944= (NM_001354897.2); c.5727C>T, p.Pro1909= (NM_001354898.2); c.5718C>T, p.Pro1906= (NM_001354899.2); c.5679C>T, p.Pro1893= (NM_001354900.2); c.5625C>T, p.Pro1875= (NM_001354901.2); and 5 more.
Identifiers: ClinVar variation 755104 (VCV000755104.12), dbSNP rs876658810, ClinGen allele CA446209806.
Genomic context (GRCh38, chr5:112,841,396, plus strand): 5'-AAAGCAGCCAATAAATCGAGGTCAGCCTAAACCCATACTTCAGAAACAATCCACTTTTCC[C>T]CAGTCATCCAAAGACATACCAGACAGAGGGGCAGCAACTGATGAAAAGTTACAGAATTTT-3'
Protein context (NP_000029.2, residues 1924-1944): KPILQKQSTF[Pro1934=]QSSKDIPDRG